The following is an entry in ClinVar:

NM_006662.3(SRCAP):c.2903G>A (p.Arg968His)

Gene: SRCAP (Snf2 related CREBBP activator protein; plus strand). Cytogenetic location: 16p11.2.
Variant type: single nucleotide variant.
Coding change: c.2903G>A on transcript NM_006662.3 (MANE Select); coding-DNA position 2903, G replaced by A.
Protein change: p.Arg968His; replaces arginine 968 with histidine.
Molecular consequence: missense variant.
Genome position (GRCh38, 1-based): chr16:30,720,247, G>A. VCF-style: chr16-30720247-G-A. GRCh37 (hg19) VCF-style: chr16-30731568-G-A.
Other names: short protein forms R968H.
Identifiers: ClinVar variation 4748370 (VCV004748370.1), dbSNP rs368876335.

ClinVar aggregate classification (germline): Uncertain significance (1 of 4 stars; one submission).

Allele frequency attached by ClinVar (database versions not stated): ExAC 0.00006; gnomAD exomes 0.00007; ESP Exome Variant Server 0.00008; TOPMed 0.00011.
gnomAD v4.1: 132 of 1,614,058 alleles (0.0082%); highest among the groups gnomAD compares: Admixed American, 0.012%; no homozygotes.

Submission:

Labcorp Genetics (formerly Invitae), Labcorp
Classification: Uncertain significance. Last evaluated: 2025-12-18. Review status: criteria provided, single submitter. Criteria: Invitae Variant Classification Sherloc (09022015). Collection method: clinical testing. Allele origin: germline.
Comment: This sequence change replaces arginine, which is basic and polar, with histidine, which is basic and polar, at codon 968 of the SRCAP protein (p.Arg968His). The frequency data for this variant in the population databases is considered unreliable, as metrics indicate poor data quality at this position in the gnomAD database. This variant has not been reported in the literature in individuals affected with SRCAP-related conditions. Invitae Evidence Modeling of protein sequence and biophysical properties (such as structural, functional, and spatial information, amino acid conservation, physicochemical variation, residue mobility, and thermodynamic stability) indicates that this missense variant is not expected to disrupt SRCAP protein function with a negative predictive value of 80%. In summary, the available evidence is currently insufficient to determine the role of this variant in disease. Therefore, it has been classified as a Variant of Uncertain Significance.